The following is an entry in ClinVar:

ClinVar aggregate classification (germline): Likely benign (1 of 4 stars; one submission).

Allele frequency attached by ClinVar (database versions not stated): ESP Exome Variant Server 0.00015; ExAC 0.00020; TOPMed 0.00028; gnomAD 0.00029.

Submission:

CeGaT Center for Human Genetics Tuebingen
Classification: Likely benign. Last evaluated: 2023-01-01. Review status: criteria provided, single submitter. Criteria: CeGaT Center For Human Genetics Tuebingen Variant Classification Criteria Version 2. Collection method: clinical testing. Allele origin: germline. Affected: yes. Observed: 1 variant allele.
Comment: FCGBP: BP4, BP7

NM_003890.3(FCGBP):c.1878C>T (p.Asp626=)

Gene: FCGBP (Fc gamma binding protein; minus strand). Cytogenetic location: 19q13.2.
Variant type: single nucleotide variant.
Coding change: c.1878C>T on transcript NM_003890.3 (MANE Select); coding-DNA position 1878, C replaced by T.
Protein change: p.Asp626=; no amino-acid change (aspartic acid 626 retained).
Molecular consequence: synonymous variant.
Genome position (GRCh38, 1-based): chr19:39,918,418, G>A on the plus strand (C>T on the coding strand, the complement: FCGBP is on the minus strand). VCF-style: chr19-39918418-G-A. GRCh37 (hg19) VCF-style: chr19-40424325-G-A.
Identifiers: ClinVar variation 2649869 (VCV002649869.24), dbSNP rs143595777, ClinGen allele CA9437901.